The following is an entry in ClinVar:

ClinVar aggregate classification (germline): Likely pathogenic (1 of 4 stars; one submission).

Conditions:
Immunodeficiency 91 and hyperinflammation. Identifiers: MedGen C5562073, MONDO:0030491, OMIM 619644.

Submission:

Kasturba Medical College, Manipal, Kasturba Medical College, Manipal, Manipal Academy of Higher Education, Manipal, India
Classification: Likely pathogenic for Immunodeficiency 91 and hyperinflammation. Last evaluated: 2026-05-20. Review status: criteria provided, single submitter. Criteria: ACMG Guidelines, 2015. Collection method: research. Allele origin: unknown. Inheritance: Autosomal recessive inheritance. Affected: yes. Observed: 1 variant allele, 1 homozygote.
Comment: This variant is absent in population database, gnomAD v4.1.0, and our in-house database of 4255 exomes. Since the variant is located in the last exon of ZNFX1, the transcript may escape nonsense-mediated decay, potentially resulting in a truncated protein

NM_021035.3(ZNFX1):c.4015C>T (p.Gln1339Ter)

Gene: ZNFX1 (zinc finger NFX1-type containing 1; minus strand). Cytogenetic location: 20q13.13.
Variant type: single nucleotide variant.
Coding change: c.4015C>T on transcript NM_021035.3 (MANE Select); coding-DNA position 4015, C replaced by T.
Protein change: p.Gln1339Ter; replaces glutamine 1339 with a stop codon.
Molecular consequence: nonsense.
Genome position (GRCh38, 1-based): chr20:49,249,009, G>A on the plus strand (C>T on the coding strand, the complement: ZNFX1 is on the minus strand). VCF-style: chr20-49249009-G-A. GRCh37 (hg19) VCF-style: chr20-47865546-G-A.
Other names: short protein forms Q1339*.
Identifiers: ClinVar variation 4857622 (VCV004857622.1).